The following is an entry in ClinVar:

ClinVar aggregate classification (germline): Uncertain significance (1 of 4 stars; one submission).

Conditions:
Mitochondrial hypertrophic cardiomyopathy with lactic acidosis due to MTO1 deficiency. Also called: CARDIOMYOPATHY, INFANTILE HYPERTROPHIC MITOCHONDRIAL, AND LACTIC ACIDOSIS; Combined oxidative phosphorylation deficiency 10. Identifiers: Orphanet 314637, MedGen C4749921, MONDO:0013865, OMIM 614702.

gnomAD v4.1: 10 of 1,613,540 alleles (0.00062%); highest among the groups gnomAD compares: Non-Finnish European, 0.00085%; no homozygotes.

Submission:

Labcorp Genetics (formerly Invitae), Labcorp
Classification: Uncertain significance for Mitochondrial hypertrophic cardiomyopathy with lactic acidosis due to MTO1 deficiency. Last evaluated: 2022-03-08. Review status: criteria provided, single submitter. Criteria: Invitae Variant Classification Sherloc (09022015). Collection method: clinical testing. Allele origin: germline.
Comment: In summary, the available evidence is currently insufficient to determine the role of this variant in disease. Therefore, it has been classified as a Variant of Uncertain Significance. Algorithms developed to predict the effect of missense changes on protein structure and function are either unavailable or do not agree on the potential impact of this missense change (SIFT: "Deleterious"; PolyPhen-2: "Probably Damaging"; Align-GVGD: "Class C0"). This variant has not been reported in the literature in individuals affected with MTO1-related conditions. This variant is not present in population databases (gnomAD no frequency). This sequence change replaces proline, which is neutral and non-polar, with threonine, which is neutral and polar, at codon 79 of the MTO1 protein (p.Pro79Thr).

NM_012123.4(MTO1):c.235C>A (p.Pro79Thr)

Gene: MTO1 (mitochondrial tRNA translation optimization 1; plus strand). Cytogenetic location: 6q13.
Variant type: single nucleotide variant.
Coding change: c.235C>A on transcript NM_012123.4 (MANE Select); coding-DNA position 235, C replaced by A.
Protein change: p.Pro79Thr; replaces proline 79 with threonine.
Molecular consequence: missense variant.
Genome position (GRCh38, 1-based): chr6:73,466,226, C>A. VCF-style: chr6-73466226-C-A. GRCh37 (hg19) VCF-style: chr6-74175949-C-A.
Other names: c.235C>A, p.Pro79Thr (NM_001123226.2, NM_133645.3); short protein forms P79T.
Identifiers: ClinVar variation 1503414 (VCV001503414.6), dbSNP rs2150027197, ClinGen allele CA364712491.